The following is an entry in ClinVar:

NM_201269.3(ZNF644):c.3675G>C (p.Leu1225Phe)

Gene: ZNF644 (zinc finger protein 644; minus strand). Cytogenetic location: 1p22.2.
Variant type: single nucleotide variant.
Coding change: c.3675G>C on transcript NM_201269.3 (MANE Select); coding-DNA position 3675, G replaced by C.
Protein change: p.Leu1225Phe; replaces leucine 1225 with phenylalanine.
Molecular consequence: missense variant. On other transcripts: intron variant (2).
Genome position (GRCh38, 1-based): chr1:90,937,498, C>G on the plus strand (G>C on the coding strand, the complement: ZNF644 is on the minus strand). VCF-style: chr1-90937498-C-G. GRCh37 (hg19) VCF-style: chr1-91403055-C-G.
Other names: c.23-19344G>C (NM_032186.5, NM_016620.4); short protein forms L1225F.
Identifiers: ClinVar variation 2581883 (VCV002581883.1), dbSNP rs1250862409, ClinGen allele CA341047028.
Genomic context (GRCh38, chr1:90,937,498, plus strand): 5'-GAACTGCATTTAAACTGTGTATAGCATAGTCATAAACGTCCTCTTACCTGAGTGCATAGT[C>G]AAGTCCATTTTTTGTGGCTGATACATCAACGGACTATCCTCATTTAATGGAAGAACGCAT-3'
Protein context (NP_958357.1, residues 1215-1235): PLMYQPQKMD[Leu1225Phe]TMHSALDCKQ

ClinVar aggregate classification (germline): Uncertain significance (1 of 4 stars; one submission).

Allele frequency attached by ClinVar (database versions not stated): gnomAD 0.00001.
gnomAD v4.1: 1 of 1,613,622 alleles (0.000062%); highest among the groups gnomAD compares: East Asian, 0.0022%; no homozygotes.

Submission:

GeneDx
Classification: Uncertain significance. Last evaluated: 2023-03-15. Review status: criteria provided, single submitter. Criteria: GeneDx Variant Classification Process June 2021. Collection method: clinical testing. Allele origin: germline. Affected: yes.
Comment: In silico analysis supports that this missense variant does not alter protein structure/function; Has not been previously published as pathogenic or benign to our knowledge